The following is an entry in ClinVar:

ClinVar aggregate classification (germline): Pathogenic/Likely pathogenic. Review status: criteria provided, multiple submitters, no conflicts (2 of 4 stars). 5 submissions from 5 submitters: Pathogenic (3); Likely pathogenic (1). 1 of the submissions does not count toward it. Last evaluated 2021-03-01.

Conditions:
Familial thoracic aortic aneurysm and aortic dissection (TAAD). Also called: Thoracic aortic aneurysms and dissections. Identifiers: Orphanet 91387, MedGen C4707243, MONDO:0019625.
Marfan syndrome (MFS). Also called: MARFAN SYNDROME, TYPE I; Marfan syndrome type 1; Marfan's syndrome; Marfan syndrome, classic; FBN1-Related Marfan Syndrome. Identifiers: Orphanet 284963, Orphanet 558, MedGen C0024796, MONDO:0007947, OMIM 154700.

Submissions (5):

Centre of Medical Genetics, University of Antwerp
Classification: Likely pathogenic for Marfan syndrome. Last evaluated: 2021-03-01. Review status: criteria provided, single submitter. Criteria: Submitter's publication. Collection method: research. Allele origin: unknown. Affected: yes.
Comment: PM2, PS7, PP4

CeGaT Center for Human Genetics Tuebingen
Classification: Pathogenic. Last evaluated: 2019-04-01. Review status: criteria provided, single submitter. Criteria: CeGaT Center For Human Genetics Tuebingen Variant Classification Criteria Version 2. Collection method: clinical testing. Allele origin: germline. Affected: yes. Observed: 1 variant allele.

Labcorp Genetics (formerly Invitae), Labcorp
Classification: Pathogenic for Marfan syndrome; Familial thoracic aortic aneurysm and aortic dissection. Last evaluated: 2018-05-02. Review status: criteria provided, single submitter. Criteria: Invitae Variant Classification Sherloc (09022015). Collection method: clinical testing. Allele origin: germline.
Comment: Algorithms developed to predict the effect of sequence changes on RNA splicing suggest that this variant may disrupt the consensus splice site, but this prediction has not been confirmed by published transcriptional studies. This variant has been observed in individuals affected with Marfan syndrome (PMID: 19159394, Invitae). This variant is not present in population databases (ExAC no frequency). This sequence change affects a donor splice site in intron 41 of the FBN1 gene. It is expected to disrupt RNA splicing and likely results in an absent or disrupted protein product. Donor and acceptor splice site variants typically lead to a loss of protein function (PMID: 16199547), and loss-of-function variants in FBN1 are known to be pathogenic (PMID: 17657824, 19293843). For these reasons, this variant has been classified as Pathogenic.

Center for Human Genetics, Inc
Classification: Pathogenic for Marfan syndrome. Last evaluated: 2016-11-01. Review status: criteria provided, single submitter. Criteria: ACMG Guidelines, 2015. Collection method: clinical testing. Allele origin: germline. Affected: yes.

Center for Medical Genetics Ghent, University of Ghent
Classification: Likely pathogenic for Marfan syndrome. Last evaluated: 2017-11-07. Review status: no assertion criteria provided. Collection method: clinical testing. Allele origin: germline. Affected: yes. Not counted in ClinVar's aggregate classification.

Literature cited by the submitters: PubMed 19159394 (cited by Labcorp Genetics (formerly Invitae), Labcorp); PubMed 16199547 (cited by Labcorp Genetics (formerly Invitae), Labcorp); PubMed 17657824 (cited by Labcorp Genetics (formerly Invitae), Labcorp); PubMed 19293843 (cited by Labcorp Genetics (formerly Invitae), Labcorp).

NM_000138.5(FBN1):c.5065+1G>C

Gene: FBN1 (fibrillin 1; minus strand). Cytogenetic location: 15q21.1.
Variant type: single nucleotide variant.
Coding change: c.5065+1G>C on transcript NM_000138.5 (MANE Select); the canonical splice donor site of the intron after coding-DNA position 5065, G replaced by C.
Molecular consequence: splice donor variant.
Genome position (GRCh38, 1-based): chr15:48,463,898, C>G on the plus strand (G>C on the coding strand, the complement: FBN1 is on the minus strand). VCF-style: chr15-48463898-C-G. GRCh37 (hg19) VCF-style: chr15-48756095-C-G.
Other names: c.5065+1G>C (NM_001406716.1).
Identifiers: ClinVar variation 547327 (VCV000547327.55), dbSNP rs1296209846, ClinGen allele CA392349479.